The following is an entry in ClinVar:

NM_000135.4(FANCA):c.3601C>A (p.Gln1201Lys)

Gene: FANCA (FA complementation group A; minus strand). Cytogenetic location: 16q24.3.
Variant type: single nucleotide variant.
Coding change: c.3601C>A on transcript NM_000135.4 (MANE Select); coding-DNA position 3601, C replaced by A.
Protein change: p.Gln1201Lys; replaces glutamine 1201 with lysine.
Molecular consequence: missense variant.
Genome position (GRCh38, 1-based): chr16:89,744,984, G>T on the plus strand (C>A on the coding strand, the complement: FANCA is on the minus strand). VCF-style: chr16-89744984-G-T. GRCh37 (hg19) VCF-style: chr16-89811392-G-T.
Other names: c.3601C>A, p.Gln1201Lys (NM_001286167.3); short protein forms Q1201K.
Identifiers: ClinVar variation 4022154 (VCV004022154.1).
Genomic context (GRCh38, chr16:89,744,984, plus strand): 5'-GGGCGGGCACACCCCATCTCACCACCCACACGTACTCGCTGGCAAACTGCCGGCCTTCTT[G>T]TAGCTTCTGCAGTTCCCGGGGCAGCGGGCTCTGGCAGTGTCTCCTCCACCGGCAGAGCAG-3'
Protein context (NP_000126.2, residues 1191-1211): SPLPRELQKL[Gln1201Lys]EGRQFASDFL

ClinVar aggregate classification (germline): Uncertain significance (1 of 4 stars; one submission).

Conditions:
Inborn genetic diseases. Identifiers: MedGen C0950123, MeSH D030342.

gnomAD v4.1: 1 of 1,611,836 alleles (0.000062%); highest among the groups gnomAD compares: Non-Finnish European, 0.000085%; no homozygotes.

Submission:

Ambry Genetics
Classification: Uncertain significance for Inborn genetic diseases. Last evaluated: 2025-04-05. Review status: criteria provided, single submitter. Criteria: Ambry Variant Classification Scheme 2023. Collection method: clinical testing. Allele origin: germline.
Comment: The p.Q1201K variant (also known as c.3601C>A), located in coding exon 36 of the FANCA gene, results from a C to A substitution at nucleotide position 3601. The glutamine at codon 1201 is replaced by lysine, an amino acid with similar properties. This amino acid position is conserved. In addition, this alteration is predicted to be tolerated by in silico analysis. Based on the available evidence, the clinical significance of this variant remains unclear.